The following is an entry in ClinVar:

ClinVar aggregate classification (germline): Conflicting classifications of pathogenicity. Review status: criteria provided, conflicting classifications (1 of 4 stars). 2 submissions from 2 submitters: Likely pathogenic (1); Uncertain significance (1). Last evaluated 2025-07-18.

Conditions:
Marfan syndrome (MFS). Also called: Marfan syndrome type 1; Marfan's syndrome; FBN1-Related Marfan Syndrome; MARFAN SYNDROME, TYPE I; Marfan syndrome, classic. Identifiers: Orphanet 284963, Orphanet 558, MedGen C0024796, MONDO:0007947, OMIM 154700.
Familial thoracic aortic aneurysm and aortic dissection (TAAD). Also called: Thoracic aortic aneurysms and dissections. Identifiers: Orphanet 91387, MedGen C4707243, MONDO:0019625.

Submissions (2):

GeneDx
Classification: Uncertain significance. Last evaluated: 2025-07-18. Review status: criteria provided, single submitter. Criteria: GeneDx Variant Classification Process June 2021. Collection method: clinical testing. Allele origin: germline.
Comment: Not observed at significant frequency in large population cohorts (gnomAD); In silico analysis supports a deleterious effect on splicing; In silico analysis supports that this missense variant has a deleterious effect on protein structure/function; This variant is associated with the following publications: (PMID: 20591885, 28941062)

Labcorp Genetics (formerly Invitae), Labcorp
Classification: Likely pathogenic for Marfan syndrome; Familial thoracic aortic aneurysm and aortic dissection. Last evaluated: 2024-05-06. Review status: criteria provided, single submitter. Criteria: Invitae Variant Classification Sherloc (09022015). Collection method: clinical testing. Allele origin: germline.
Comment: This sequence change replaces aspartic acid, which is acidic and polar, with asparagine, which is neutral and polar, at codon 490 of the FBN1 protein (p.Asp490Asn). This variant also falls at the last nucleotide of exon 12, which is part of the consensus splice site for this exon. This variant is not present in population databases (gnomAD no frequency). This missense change has been observed in individuals with clinical features of Marfan syndrome (PMID: 28941062; Invitae). ClinVar contains an entry for this variant (Variation ID: 1408082). An algorithm developed to predict the effect of missense changes on protein structure and function (PolyPhen-2) suggests that this variant is likely to be disruptive. Variants that disrupt the consensus splice site are a relatively common cause of aberrant splicing (PMID: 17576681, 9536098). Algorithms developed to predict the effect of sequence changes on RNA splicing suggest that this variant may disrupt the consensus splice site. This variant disrupts the c.1468G nucleotide in the FBN1 gene. Other variant(s) that disrupt this nucleotide have been determined to be pathogenic (PMID: 11826022, 20886638, 35058154; Invitae). This suggests that this nucleotide is clinically significant, and that variants that disrupt this position are likely to be disease-causing. In summary, the currently available evidence indicates that the variant is pathogenic, but additional data are needed to prove that conclusively. Therefore, this variant has been classified as Likely Pathogenic.

Literature cited by the submitters: PubMed 28941062 (cited by Labcorp Genetics (formerly Invitae), Labcorp); PubMed 17576681 (cited by Labcorp Genetics (formerly Invitae), Labcorp); PubMed 9536098 (cited by Labcorp Genetics (formerly Invitae), Labcorp); PubMed 11826022 (cited by Labcorp Genetics (formerly Invitae), Labcorp); PubMed 20886638 (cited by Labcorp Genetics (formerly Invitae), Labcorp); PubMed 35058154 (cited by Labcorp Genetics (formerly Invitae), Labcorp).

NM_000138.5(FBN1):c.1468G>A (p.Asp490Asn)

Gene: FBN1 (fibrillin 1; minus strand). Cytogenetic location: 15q21.1.
Variant type: single nucleotide variant.
Coding change: c.1468G>A on transcript NM_000138.5 (MANE Select); coding-DNA position 1468, G replaced by A.
Protein change: p.Asp490Asn; replaces aspartic acid 490 with asparagine.
Molecular consequence: missense variant.
Genome position (GRCh38, 1-based): chr15:48,515,387, C>T on the plus strand (G>A on the coding strand, the complement: FBN1 is on the minus strand). VCF-style: chr15-48515387-C-T. GRCh37 (hg19) VCF-style: chr15-48807584-C-T.
Other names: c.1468G>A (NM_000138.4); short protein forms D490N.
Identifiers: ClinVar variation 1408082 (VCV001408082.8), dbSNP rs1555400371, ClinGen allele CA392343532.